The following is an entry in ClinVar:

ClinVar aggregate classification (germline): Uncertain significance. Review status: criteria provided, multiple submitters, no conflicts (2 of 4 stars). 5 submissions from 5 submitters: Uncertain significance (5). Last evaluated 2026-07-24.

Conditions:
BRCA2-related disorder. Also called: BRCA2-related condition; BRCA2-related disorders. Identifiers: MedGen CN239275.
Hereditary cancer-predisposing syndrome. Also called: Neoplastic Syndromes, Hereditary; Tumor predisposition; Hereditary Cancer Syndrome; Hereditary neoplastic syndrome. Identifiers: Orphanet 140162, MedGen C0027672, MeSH D009386, MONDO:0015356.
Hereditary breast ovarian cancer syndrome. Also called: Hereditary breast and ovarian cancer; Hereditary breast and ovarian cancer syndrome (HBOC); Breast and ovarian cancer; BRCA1- and BRCA2-Associated Hereditary Breast and Ovarian Cancer; Hereditary breast and/or ovarian cancer syndrome; Hereditary breast and ovarian cancer syndrome. Identifiers: Orphanet 145, MedGen C0677776, MeSH D061325, MONDO:0003582. Disease mechanism: loss of function.

Allele frequency attached by ClinVar (database versions not stated): gnomAD 0.00001; TOPMed 0.00001.
gnomAD v4.1: 2 of 1,614,036 alleles (0.00012%); highest among the groups gnomAD compares: African/African-American, 0.0027%; no homozygotes.

Submissions (5):

PreventionGenetics, part of Exact Sciences
Classification: Uncertain significance for BRCA2-related condition. Last evaluated: 2026-07-24. Review status: criteria provided, single submitter. Criteria: ACMG Guidelines, 2015. Collection method: clinical testing. Allele origin: germline.
Comment: The BRCA2 c.9898C>A variant is predicted to result in the amino acid substitution p.Pro3300Thr. To our knowledge, this variant has not been reported in the literature. This variant is reported in 0.0062% of alleles in individuals of African descent in gnomAD and is interpreted as uncertain in ClinVar (Variation ID: 230995). At this time, the clinical significance of this variant is uncertain due to the absence of conclusive functional and genetic evidence.

Labcorp Genetics (formerly Invitae), Labcorp
Classification: Uncertain significance for Hereditary breast ovarian cancer syndrome. Last evaluated: 2025-06-27. Review status: criteria provided, single submitter. Criteria: Invitae Variant Classification Sherloc (09022015). Collection method: clinical testing. Allele origin: germline.
Comment: This sequence change replaces proline, which is neutral and non-polar, with threonine, which is neutral and polar, at codon 3300 of the BRCA2 protein (p.Pro3300Thr). This variant is present in population databases (rs770868371, gnomAD 0.007%). This variant has not been reported in the literature in individuals affected with BRCA2-related conditions. ClinVar contains an entry for this variant (Variation ID: 230995). Invitae Evidence Modeling of protein sequence and biophysical properties (such as structural, functional, and spatial information, amino acid conservation, physicochemical variation, residue mobility, and thermodynamic stability) indicates that this missense variant is not expected to disrupt BRCA2 protein function with a negative predictive value of 95%. In summary, the available evidence is currently insufficient to determine the role of this variant in disease. Therefore, it has been classified as a Variant of Uncertain Significance.

Ambry Genetics
Classification: Uncertain significance for Hereditary cancer-predisposing syndrome. Last evaluated: 2025-01-07. Review status: criteria provided, single submitter. Criteria: Ambry Variant Classification Scheme 2023. Collection method: clinical testing. Allele origin: germline.
Comment: The p.P3300T variant (also known as c.9898C>A), located in coding exon 26 of the BRCA2 gene, results from a C to A substitution at nucleotide position 9898. The proline at codon 3300 is replaced by threonine, an amino acid with highly similar properties. This amino acid position is highly conserved in available vertebrate species. In addition, this alteration is predicted to be tolerated by in silico analysis. Since supporting evidence is limited at this time, the clinical significance of this alteration remains unclear.

Quest Diagnostics Nichols Institute San Juan Capistrano
Classification: Uncertain significance. Last evaluated: 2024-03-08. Review status: criteria provided, single submitter. Criteria: Quest Diagnostics criteria. Collection method: clinical testing. Allele origin: unknown.
Comment: The BRCA2 c.9898C>A (p.Pro3300Thr) variant has not been reported in individuals with BRCA2-related conditions in the published literature. The frequency of this variant in the general population, 0.000004 (1/251222 chromosomes (Genome Aggregation Database)), is uninformative in the assessment of its pathogenicity. Analysis of this variant using bioinformatics tools for the prediction of the effect of amino acid changes on protein structure and function yielded predictions that this variant is damaging. Based on the available information, we are unable to determine the clinical significance of this variant.

Color Diagnostics, LLC DBA Color Health
Classification: Uncertain significance for Hereditary cancer-predisposing syndrome. Last evaluated: 2019-03-08. Review status: criteria provided, single submitter. Criteria: ACMG Guidelines, 2015. Collection method: clinical testing. Allele origin: germline.

NM_000059.4(BRCA2):c.9898C>A (p.Pro3300Thr)

Gene: BRCA2 (BRCA2 DNA repair associated; plus strand). Cytogenetic location: 13q13.1.
Variant type: single nucleotide variant.
Coding change: c.9898C>A on transcript NM_000059.4 (MANE Select); coding-DNA position 9898, C replaced by A.
Protein change: p.Pro3300Thr; replaces proline 3300 with threonine.
Molecular consequence: missense variant.
Genome position (GRCh38, 1-based): chr13:32,398,411, C>A. VCF-style: chr13-32398411-C-A. GRCh37 (hg19) VCF-style: chr13-32972548-C-A.
Other names: short protein forms P3300T.
Identifiers: ClinVar variation 230995 (VCV000230995.21), dbSNP rs770868371, ClinGen allele CA6941451.